The following is an entry in ClinVar:

ClinVar aggregate classification (germline): Benign/Likely benign. Review status: criteria provided, multiple submitters, no conflicts (2 of 4 stars). 2 submissions from 2 submitters: Benign (1); Likely benign (1). Last evaluated 2024-11-26.

Submissions (2):

Blueprint Genetics
Classification: Likely benign. Last evaluated: 2024-11-26. Review status: criteria provided, single submitter. Criteria: ACMG Guidelines, 2015. Collection method: clinical testing. Allele origin: germline.

Mayo Clinic Laboratories, Mayo Clinic
Classification: Benign. Last evaluated: 2023-02-20. Review status: criteria provided, single submitter. Criteria: ACMG Guidelines, 2015. Collection method: clinical testing. Allele origin: germline. Observed: 37 variant alleles.
Comment: BS1, BS2

NM_003194.5(TBP):c.225GCA[20] (p.Gln95_Ala96insGln)

Genes: TBP (TATA-box binding protein; plus strand), LOC108663996 (TATA-box binding protein repeat instability region; plus strand). Cytogenetic location: 6q27.
Variant type: Microsatellite.
Coding change: c.225GCA[20] on transcript NM_003194.5 (MANE Select); 20 copies in a row of the 3-base unit GCA starting at c.225; the reference has 19 copies in a row; one copy, 3 bases duplicated; also written c.279_281dup.
Protein change: p.Gln95_Ala96insGln.
Molecular consequence: inframe insertion.
Genome position (GRCh38, 1-based): chr6:170,562,015-170,562,017, GCA duplicated; duplicating any 3 consecutive bases within chr6:170,561,959-170,562,017 gives the same sequence; the position shown is the placement nearest the transcript's 3' end. VCF-style (leftmost placement, unchanged base first): chr6-170561958-A-ACAG. GRCh37 (hg19) VCF-style: chr6-170871046-A-ACAG.
Other names: p.Gln95dup; c.165GCA[20], p.Gln75_Ala76insGln (NM_001172085.2); c.279_281dup (NM_003194.5).
Identifiers: ClinVar variation 4683240 (VCV004683240.2).